The following is an entry in ClinVar:

NM_001042492.3(NF1):c.5489G>C (p.Arg1830Pro)

Gene: NF1 (neurofibromin 1; plus strand). Cytogenetic location: 17q11.2.
Variant type: single nucleotide variant.
Coding change: c.5489G>C on transcript NM_001042492.3 (MANE Select); coding-DNA position 5489, G replaced by C.
Protein change: p.Arg1830Pro; replaces arginine 1830 with proline.
Molecular consequence: missense variant.
Genome position (GRCh38, 1-based): chr17:31,327,719, G>C. VCF-style: chr17-31327719-G-C. GRCh37 (hg19) VCF-style: chr17-29654737-G-C.
Other names: c.5426G>C, p.Arg1809Pro (NM_000267.4); short protein forms R1809P, R1830P.
Identifiers: ClinVar variation 208855 (VCV000208855.12), dbSNP rs771529172, ClinGen allele CA276050.

ClinVar aggregate classification (germline): Pathogenic. Review status: criteria provided, multiple submitters, no conflicts (2 of 4 stars). 4 submissions from 4 submitters: Pathogenic (2). 2 of the submissions do not count toward it. Last evaluated 2025-06-20.

Conditions:
Neurofibromatosis, type 1 (NF1). Also called: VON RECKLINGHAUSEN DISEASE; Neurofibromatosis, type I; NEUROFIBROMATOSIS, TYPE I, SOMATIC; Peripheral type neurofibromatosis. Identifiers: Orphanet 636, MedGen C0027831, MONDO:0018975, OMIM 162200. Disease mechanism: loss of function.

Submissions (4):

Labcorp Genetics (formerly Invitae), Labcorp
Classification: Pathogenic for Neurofibromatosis, type 1. Last evaluated: 2025-06-20. Review status: criteria provided, single submitter. Criteria: Invitae Variant Classification Sherloc (09022015). Collection method: clinical testing. Allele origin: germline.
Comment: This sequence change replaces arginine, which is basic and polar, with proline, which is neutral and non-polar, at codon 1809 of the NF1 protein (p.Arg1809Pro). This variant is not present in population databases (gnomAD no frequency). This missense change has been observed in individual(s) with clinical features of neurofibromatosis type 1 (PMID: 26178382, 31370276). Invitae Evidence Modeling of clinical and family history, age, sex, and reported ancestry of multiple individuals with this NF1 variant has been performed. This variant is expected to be pathogenic with a positive predictive value of at least 99%. This is a validated machine learning model that incorporates the clinical features of 1,785,918 individuals referred to our laboratory for NF1 testing. ClinVar contains an entry for this variant (Variation ID: 208855). Invitae Evidence Modeling of protein sequence and biophysical properties (such as structural, functional, and spatial information, amino acid conservation, physicochemical variation, residue mobility, and thermodynamic stability) indicates that this missense variant is expected to disrupt NF1 protein function with a positive predictive value of 95%. This variant disrupts the p.Arg1809 amino acid residue in NF1. Other variant(s) that disrupt this residue have been determined to be pathogenic (PMID: 24357598, 24789688, 25370043, 26178382; 25966637)). This suggests that this residue is clinically significant, and that variants that disrupt this residue are likely to be disease-causing. For these reasons, this variant has been classified as Pathogenic.

NHS Central & South Genomic Laboratory Hub
Classification: Pathogenic for Neurofibromatosis type 1. Last evaluated: 2025-06-05. Review status: criteria provided, single submitter. Criteria: ACMG Guidelines, 2015. Collection method: clinical testing. Allele origin: germline. Affected: yes.

GeneReviews
No classification provided. Condition: Neurofibromatosis, type 1. Review status: no classification provided. Collection method: literature only. Allele origin: germline. Not counted in ClinVar's aggregate classification.

UAB Medical Genomics Laboratory, UAB Medicine
Classification: Pathogenic for Neurofibromatosis, type 1. Review status: no assertion criteria provided. Collection method: clinical testing. Allele origin: unknown, germline. Affected: yes. Observed: 4 variant alleles. Not counted in ClinVar's aggregate classification.

Literature cited by the submitters: PubMed 26178382 (cited by Labcorp Genetics (formerly Invitae), Labcorp and UAB Medical Genomics Laboratory, UAB Medicine); PubMed 31370276 (cited by Labcorp Genetics (formerly Invitae), Labcorp); PubMed 24357598 (cited by Labcorp Genetics (formerly Invitae), Labcorp); PubMed 24789688 (cited by Labcorp Genetics (formerly Invitae), Labcorp); PubMed 25370043 (cited by Labcorp Genetics (formerly Invitae), Labcorp); PubMed 25966637 (cited by Labcorp Genetics (formerly Invitae), Labcorp); NCBI Bookshelf NBK1109 (cited by GeneReviews).